The following is an entry in ClinVar:

NC_000016.9:g.(?_23614634)_(23625422_?)dup

Gene: PALB2 (partner and localizer of BRCA2; minus strand). Cytogenetic location: 16p12.2.
Variant type: Duplication.
Identifiers: ClinVar variation 2426863 (VCV002426863.3).

ClinVar aggregate classification (germline): Uncertain significance (1 of 4 stars; one submission).

Conditions:
Familial cancer of breast. Also called: Hereditary breast cancer; BREAST CANCER, FAMILIAL; hereditary breast carcinoma. Identifiers: Orphanet 227535, MedGen C0346153, MONDO:0016419, OMIM 114480. Disease mechanism: loss of function.

Submission:

Labcorp Genetics (formerly Invitae), Labcorp
Classification: Uncertain significance for Familial cancer of breast. Last evaluated: 2022-06-12. Review status: criteria provided, single submitter. Criteria: Invitae Variant Classification Sherloc (09022015). Collection method: clinical testing. Allele origin: germline.
Comment: This variant results in a copy number gain of the genomic region encompassing exon(s) 11-13 of the PALB2 gene. This region includes the termination codon of the gene. This copy number gain extends beyond the assayed region for this gene and therefore may encompass additional genes. As the precise location of this event is unknown, it may be in tandem or it may be located elsewhere in the genome. This variant has not been reported in the literature in individuals affected with PALB2-related conditions. Experimental studies and prediction algorithms are not available or were not evaluated, and the functional significance of this variant is currently unknown. In summary, the available evidence is currently insufficient to determine the role of this variant in disease. Therefore, it has been classified as a Variant of Uncertain Significance.